The following is an entry in ClinVar:

NM_015215.4(CAMTA1):c.1806G>A (p.Thr602=)

Gene: CAMTA1 (calmodulin binding transcription activator 1; plus strand). Cytogenetic location: 1p36.23.
Variant type: single nucleotide variant.
Coding change: c.1806G>A on transcript NM_015215.4 (MANE Select); coding-DNA position 1806, G replaced by A.
Protein change: p.Thr602=; no amino-acid change (threonine 602 retained).
Molecular consequence: synonymous variant.
Genome position (GRCh38, 1-based): chr1:7,664,353, G>A. VCF-style: chr1-7664353-G-A. GRCh37 (hg19) VCF-style: chr1-7724413-G-A.
Other names: p.Thr602=; c.1716G>A, p.Thr572= (NM_001349608.2, NM_001349612.2); c.1806G>A, p.Thr602= (NM_001349609.2, NM_001349610.2).
Identifiers: ClinVar variation 711683 (VCV000711683.11), dbSNP rs6662340, ClinGen allele CA566510.
Genomic context (GRCh38, chr1:7,664,353, plus strand): 5'-GCAGATGGACTTCAGCGCCATCGACTCCAACAAGGACTACACGTCCAGCTTCAGCCAGAC[G>A]GGCCACAGCCCCCACATCCACCAGACCCCCTCCCCGAGCTTCTTCCTGCAGGACGCCAGC-3'
Protein context (NP_056030.1, residues 592-612): NKDYTSSFSQ[Thr602=]GHSPHIHQTP

ClinVar aggregate classification (germline): Benign. Review status: criteria provided, multiple submitters, no conflicts (2 of 4 stars). 3 submissions from 3 submitters: Benign (3). Last evaluated 2025-12-26.

Allele frequency attached by ClinVar (database versions not stated): gnomAD exomes 0.00103 and 0.00316; ExAC 0.00384; 1000 Genomes Project 0.00938; 1000 Genomes Project 30x 0.00984; gnomAD 0.01140 and 0.01236; TOPMed 0.01305; ESP Exome Variant Server 0.01361.
gnomAD v4.1: 3,307 of 1,613,608 alleles (0.2%); highest among the groups gnomAD compares: African/African-American, 3.7%; 69 homozygotes.

Submissions (3):

Labcorp Genetics (formerly Invitae), Labcorp
Classification: Benign. Last evaluated: 2025-12-26. Review status: criteria provided, single submitter. Criteria: Invitae Variant Classification Sherloc (09022015). Collection method: clinical testing. Allele origin: germline.

Mayo Clinic Laboratories, Mayo Clinic
Classification: Benign. Last evaluated: 2023-09-13. Review status: criteria provided, single submitter. Criteria: ACMG Guidelines, 2015. Collection method: clinical testing. Allele origin: germline. Observed: 3 variant alleles.
Comment: BA1, BS2, BP4, BP7

Breakthrough Genomics
Classification: Benign. Review status: criteria provided, single submitter. Criteria: ACMG Guidelines, 2015. Collection method: not provided. Allele origin: germline. Inheritance: Autosomal dominant inheritance. Affected: yes.